The following is an entry in ClinVar:

NM_000017.4(ACADS):c.1210G>A (p.Gly404Arg)

Gene: ACADS (acyl-CoA dehydrogenase short chain; plus strand). Cytogenetic location: 12q24.31.
Variant type: single nucleotide variant.
Coding change: c.1210G>A on transcript NM_000017.4 (MANE Select); coding-DNA position 1210, G replaced by A.
Protein change: p.Gly404Arg; replaces glycine 404 with arginine.
Molecular consequence: missense variant.
Genome position (GRCh38, 1-based): chr12:120,739,419, G>A. VCF-style: chr12-120739419-G-A. GRCh37 (hg19) VCF-style: chr12-121177222-G-A.
Other names: c.1198G>A, p.Gly400Arg (NM_001302554.2); short protein forms G404R, G400R.
Identifiers: ClinVar variation 703027 (VCV000703027.6), dbSNP rs545737847, ClinGen allele CA6831247.

ClinVar aggregate classification (germline): Likely benign. Review status: criteria provided, single submitter (1 of 4 stars). 2 submissions from 2 submitters: Likely benign (1). 1 of the submissions does not count toward it. Last evaluated 2025-12-10.

Conditions:
ACADS-related disorder. Also called: ACADS-related condition.
Deficiency of butyryl-CoA dehydrogenase (ACADSD). Also called: SCAD DEFICIENCY, MILD; SCADH DEFICIENCY; SCAD Deficiency; Short-Chain Acyl-CoA Dehydrogenase Deficiency; ACADS DEFICIENCY; ACYL-CoA DEHYDROGENASE, SHORT-CHAIN, DEFICIENCY OF. Identifiers: Orphanet 26792, MedGen C0342783, MONDO:0008722, OMIM 201470. Disease mechanism: May be benign.

Allele frequency attached by ClinVar (database versions not stated): gnomAD 0.00006; TOPMed 0.00009; 1000 Genomes Project 30x 0.00016; 1000 Genomes Project 0.00020.
gnomAD v4.1: 53 of 1,611,508 alleles (0.0033%); highest among the groups gnomAD compares: East Asian, 0.082%; no homozygotes.

Submissions (2):

Labcorp Genetics (formerly Invitae), Labcorp
Classification: Likely benign for Deficiency of butyryl-CoA dehydrogenase. Last evaluated: 2025-12-10. Review status: criteria provided, single submitter. Criteria: Invitae Variant Classification Sherloc (09022015). Collection method: clinical testing. Allele origin: germline.

PreventionGenetics, part of Exact Sciences
Classification: Likely benign for ACADS-related condition. Last evaluated: 2022-04-15. Review status: no assertion criteria provided. Collection method: clinical testing. Allele origin: germline. Not counted in ClinVar's aggregate classification.
Comment: This variant is classified as likely benign based on ACMG/AMP sequence variant interpretation guidelines (Richards et al. 2015 PMID: 25741868, with internal and published modifications).